The following is an entry in ClinVar:

ClinVar aggregate classification (germline): Uncertain significance (1 of 4 stars; one submission).

Submission:

Labcorp Genetics (formerly Invitae), Labcorp
Classification: Uncertain significance. Last evaluated: 2023-02-09. Review status: criteria provided, single submitter. Criteria: Invitae Variant Classification Sherloc (09022015). Collection method: clinical testing. Allele origin: germline.
Comment: This sequence change replaces aspartic acid, which is acidic and polar, with valine, which is neutral and non-polar, at codon 1332 of the TOP2B protein (p.Asp1332Val). This variant is not present in population databases (gnomAD no frequency). This variant has not been reported in the literature in individuals affected with TOP2B-related conditions. Algorithms developed to predict the effect of missense changes on protein structure and function are either unavailable or do not agree on the potential impact of this missense change (SIFT: "Deleterious"; PolyPhen-2: "Benign"; Align-GVGD: "Class C0"). In summary, the available evidence is currently insufficient to determine the role of this variant in disease. Therefore, it has been classified as a Variant of Uncertain Significance.

NM_001330700.2(TOP2B):c.4010A>T (p.Asp1337Val)

Gene: TOP2B (DNA topoisomerase II beta; minus strand). Cytogenetic location: 3p24.2.
Variant type: single nucleotide variant.
Coding change: c.4010A>T on transcript NM_001330700.2 (MANE Select); coding-DNA position 4010, A replaced by T.
Protein change: p.Asp1337Val; replaces aspartic acid 1337 with valine.
Molecular consequence: missense variant.
Genome position (GRCh38, 1-based): chr3:25,609,266, T>A on the plus strand (A>T on the coding strand, the complement: TOP2B is on the minus strand). VCF-style: chr3-25609266-T-A. GRCh37 (hg19) VCF-style: chr3-25650757-T-A.
Other names: c.3995A>T, p.Asp1332Val (NM_001068.3); short protein forms D1332V, D1337V.
Identifiers: ClinVar variation 2835776 (VCV002835776.3), dbSNP rs970727542, ClinGen allele CA71629493.
Genomic context (GRCh38, chr3:25,609,266, plus strand): 5'-TCTCTTGGAATAACCACAGGTTCTGTTTCTTCCAAATCACTTTCTGACTTGGATTCATCA[T>A]CTGACCAAGGATTCCGTTTCTTCACTTTCTTTGCACTAGGTTTACCAGATGATGTAGGTG-3'
Protein context (NP_001317629.1, residues 1327-1347): KKVKKRNPWS[Asp1337Val]DESKSESDLE